The following is an entry in ClinVar:

ClinVar aggregate classification (germline): Uncertain significance (1 of 4 stars; one submission).

Conditions:
Baller-Gerold syndrome (BGS). Also called: CRANIOSYNOSTOSIS WITH RADIAL DEFECTS. Identifiers: Orphanet 1225, MedGen C0265308, MONDO:0009039, OMIM 218600.

Allele frequency attached by ClinVar (database versions not stated): gnomAD exomes below 0.00001.
gnomAD v4.1: 2 of 1,571,220 alleles (0.00013%); highest among the groups gnomAD compares: Non-Finnish European, 0.00017%; no homozygotes.

Submission:

Labcorp Genetics (formerly Invitae), Labcorp
Classification: Uncertain significance for Baller-Gerold syndrome. Last evaluated: 2023-08-16. Review status: criteria provided, single submitter. Criteria: Invitae Variant Classification Sherloc (09022015). Collection method: clinical testing. Allele origin: germline.
Comment: In summary, the available evidence is currently insufficient to determine the role of this variant in disease. Therefore, it has been classified as a Variant of Uncertain Significance. Advanced modeling of protein sequence and biophysical properties (such as structural, functional, and spatial information, amino acid conservation, physicochemical variation, residue mobility, and thermodynamic stability) performed at Invitae indicates that this missense variant is not expected to disrupt RECQL4 protein function. This variant has not been reported in the literature in individuals affected with RECQL4-related conditions. This variant is not present in population databases (gnomAD no frequency). This sequence change replaces histidine, which is basic and polar, with tyrosine, which is neutral and polar, at codon 833 of the RECQL4 protein (p.His833Tyr).

NM_004260.4(RECQL4):c.2497C>T (p.His833Tyr)

Gene: RECQL4 (RecQ like helicase 4; minus strand). Cytogenetic location: 8q24.3.
Variant type: single nucleotide variant.
Coding change: c.2497C>T on transcript NM_004260.4 (MANE Select); coding-DNA position 2497, C replaced by T.
Protein change: p.His833Tyr; replaces histidine 833 with tyrosine.
Molecular consequence: missense variant. On other transcripts: non-coding transcript variant (3).
Genome position (GRCh38, 1-based): chr8:144,513,105, G>A on the plus strand (C>T on the coding strand, the complement: RECQL4 is on the minus strand). VCF-style: chr8-144513105-G-A. GRCh37 (hg19) VCF-style: chr8-145738488-G-A.
Other names: c.2203C>T, p.His735Tyr (NM_001413017.1); c.2299C>T, p.His767Tyr (NM_001413018.1); c.2497C>T, p.His833Tyr (NM_001413019.1, NM_001413036.1); c.2401C>T, p.His801Tyr (NM_001413020.1); c.1426C>T, p.His476Tyr (NM_001413021.1, NM_001413022.1, NM_001413023.1 and 5 more transcripts); c.2368C>T, p.His790Tyr (NM_001413025.1); c.1360C>T, p.His454Tyr (NM_001413027.1, NM_001413030.1, NM_001413032.1 and 1 more transcripts); c.2146C>T, p.His716Tyr (NM_001413029.1); and 6 more; short protein forms H454Y, H476Y, H789Y, H790Y, H410Y, H432Y, H466Y, H716Y.
Identifiers: ClinVar variation 2899584 (VCV002899584.3), dbSNP rs2130673512, ClinGen allele CA372677401.